The following is an entry in ClinVar:

ClinVar aggregate classification (germline): Uncertain significance. Review status: criteria provided, multiple submitters, no conflicts (2 of 4 stars). 2 submissions from 2 submitters: Uncertain significance (2). Last evaluated 2024-03-07.

Conditions:
Inborn genetic diseases. Identifiers: MedGen C0950123, MeSH D030342.

Allele frequency attached by ClinVar (database versions not stated): ExAC 0.00001; gnomAD exomes 0.00002; TOPMed 0.00002; gnomAD 0.00003; ESP Exome Variant Server 0.00008.

Submissions (2):

Ambry Genetics
Classification: Uncertain significance for Inborn genetic diseases. Last evaluated: 2024-03-07. Review status: criteria provided, single submitter. Criteria: Ambry Variant Classification Scheme 2023. Collection method: clinical testing. Allele origin: germline.

GeneDx
Classification: Uncertain significance. Last evaluated: 2023-10-26. Review status: criteria provided, single submitter. Criteria: GeneDx Variant Classification Process June 2021. Collection method: clinical testing. Allele origin: germline. Affected: yes.
Comment: Not observed at significant frequency in large population cohorts (gnomAD); In silico analysis supports that this missense variant does not alter protein structure/function; Has not been previously published as pathogenic or benign to our knowledge

NM_147191.1(MMP21):c.1223G>A (p.Arg408His)

Gene: MMP21 (matrix metallopeptidase 21; minus strand). Cytogenetic location: 10q26.2.
Variant type: single nucleotide variant.
Coding change: c.1223G>A on transcript NM_147191.1 (MANE Select); coding-DNA position 1223, G replaced by A.
Protein change: p.Arg408His; replaces arginine 408 with histidine.
Molecular consequence: missense variant.
Genome position (GRCh38, 1-based): chr10:125,770,348, C>T on the plus strand (G>A on the coding strand, the complement: MMP21 is on the minus strand). VCF-style: chr10-125770348-C-T. GRCh37 (hg19) VCF-style: chr10-127458917-C-T.
Other names: short protein forms R408H.
Identifiers: ClinVar variation 2274845 (VCV002274845.3), dbSNP rs372562000, ClinGen allele CA5737978.